The following is an entry in ClinVar:

ClinVar aggregate classification (germline): Pathogenic (1 of 4 stars; one submission).

Conditions:
Retinoblastoma (RB1). Also called: RETINOBLASTOMA, SOMATIC. Identifiers: Orphanet 790, MedGen C0035335, MeSH D012175, MONDO:0008380, OMIM 180200, HP:0009919. Disease mechanism: loss of function. Inheritance: Both sporadic and heritable forms are tested..

Submission:

Labcorp Genetics (formerly Invitae), Labcorp
Classification: Pathogenic for Retinoblastoma. Last evaluated: 2025-11-21. Review status: criteria provided, single submitter. Criteria: Invitae Variant Classification Sherloc (09022015). Collection method: clinical testing. Allele origin: germline.
Comment: This sequence change creates a premature translational stop signal (p.Lys130*) in the RB1 gene. It is expected to result in an absent or disrupted protein product. Loss-of-function variants in RB1 are known to be pathogenic (PMID: 17096365). This variant is not present in population databases (gnomAD no frequency). This variant has not been reported in the literature in individuals affected with RB1-related conditions. ClinVar contains an entry for this variant (Variation ID: 569968). For these reasons, this variant has been classified as Pathogenic.

Literature cited by the submitters: PubMed 17096365.

NM_000321.3(RB1):c.388A>T (p.Lys130Ter)

Gene: RB1 (RB transcriptional corepressor 1; plus strand). Cytogenetic location: 13q14.2.
Variant type: single nucleotide variant.
Coding change: c.388A>T on transcript NM_000321.3 (MANE Select); coding-DNA position 388, A replaced by T.
Protein change: p.Lys130Ter; replaces lysine 130 with a stop codon.
Molecular consequence: nonsense.
Genome position (GRCh38, 1-based): chr13:48,345,087, A>T. VCF-style: chr13-48345087-A-T. GRCh37 (hg19) VCF-style: chr13-48919223-A-T.
Other names: short protein forms K130*.
Identifiers: ClinVar variation 569968 (VCV000569968.6), dbSNP rs1566186840, ClinGen allele CA388252607.